The following is an entry in ClinVar:

NM_000051.4(ATM):c.5658T>A (p.Pro1886=)

Gene: ATM (ATM serine/threonine kinase; plus strand). Cytogenetic location: 11q22.3.
Variant type: single nucleotide variant.
Coding change: c.5658T>A on transcript NM_000051.4 (MANE Select); coding-DNA position 5658, T replaced by A.
Protein change: p.Pro1886=; no amino-acid change (proline 1886 retained).
Molecular consequence: synonymous variant.
Genome position (GRCh38, 1-based): chr11:108,304,836, T>A. VCF-style: chr11-108304836-T-A. GRCh37 (hg19) VCF-style: chr11-108175563-T-A.
Other names: c.5658T>A, p.Pro1886= (NM_001351834.2).
Identifiers: ClinVar variation 825877 (VCV000825877.8), dbSNP rs940182945, ClinGen allele CA476675196.

ClinVar aggregate classification (germline): Benign/Likely benign. Review status: criteria provided, multiple submitters, no conflicts (2 of 4 stars). 3 submissions from 3 submitters: Benign (1); Likely benign (2). Last evaluated 2024-05-23.

Conditions:
Familial cancer of breast. Also called: hereditary breast carcinoma; BREAST CANCER, FAMILIAL; Hereditary breast cancer. Identifiers: Orphanet 227535, MedGen C0346153, MONDO:0016419, OMIM 114480. Disease mechanism: loss of function.
Ataxia-telangiectasia syndrome (AT). Also called: ATAXIA-TELANGIECTASIA, COMPLEMENTATION GROUP A; ATAXIA-TELANGIECTASIA, FRESNO VARIANT; Ataxia-telangiectasia, complementation group E; Ataxia telangiectasia (A-T); LOUIS-BAR SYNDROME; Cerebello-oculocutaneous telangiectasia. Identifiers: Orphanet 100, MedGen C0004135, MONDO:0008840, OMIM 208900.
Hereditary cancer-predisposing syndrome. Also called: Neoplastic Syndromes, Hereditary; Hereditary Cancer Syndrome; Hereditary neoplastic syndrome; Tumor predisposition. Identifiers: Orphanet 140162, MedGen C0027672, MeSH D009386, MONDO:0015356.

gnomAD v4.1: 1 of 1,614,034 alleles (0.000062%); highest among the groups gnomAD compares: Non-Finnish European, 0.000085%; no homozygotes.

Submissions (3):

Myriad Genetics, Inc.
Classification: Benign for Familial cancer of breast. Last evaluated: 2024-05-23. Review status: criteria provided, single submitter. Criteria: Myriad Autosomal Dominant, Autosomal Recessive and X-Linked Classification Criteria (2023). Collection method: clinical testing. Allele origin: unknown.
Comment: This variant is considered benign. This variant is a silent/synonymous amino acid change and it is not expected to impact splicing.

Labcorp Genetics (formerly Invitae), Labcorp
Classification: Likely benign for Ataxia-telangiectasia syndrome. Last evaluated: 2022-12-10. Review status: criteria provided, single submitter. Criteria: Invitae Variant Classification Sherloc (09022015). Collection method: clinical testing. Allele origin: germline.

Ambry Genetics
Classification: Likely benign for Hereditary cancer-predisposing syndrome. Last evaluated: 2019-01-29. Review status: criteria provided, single submitter. Criteria: Ambry Variant Classification Scheme 2023. Collection method: clinical testing. Allele origin: germline.